The following is an entry in ClinVar:

ClinVar aggregate classification (germline): Uncertain significance (0 of 4 stars; one submission).

Conditions:
SH2B1-related disorder. Also called: SH2B1-related condition.

gnomAD v4.1: 3 of 1,389,086 alleles (0.00022%); highest among the groups gnomAD compares: East Asian, 0.0051%; no homozygotes.

Submission:

PreventionGenetics, part of Exact Sciences
Classification: Uncertain significance for SH2B1-related condition. Last evaluated: 2024-02-13. Review status: no assertion criteria provided. Collection method: clinical testing. Allele origin: germline.
Comment: The SH2B1 c.1424G>A variant is predicted to result in the amino acid substitution p.Arg475His. To our knowledge, this variant has not been reported in the literature or in a large population database, indicating this variant is rare. At this time, the clinical significance of this variant is uncertain due to the absence of conclusive functional and genetic evidence.

NM_001387430.1(SH2B1):c.1424G>A (p.Arg475His)

Gene: SH2B1 (SH2B adaptor protein 1; plus strand). Cytogenetic location: 16p11.2.
Variant type: single nucleotide variant.
Coding change: c.1424G>A on transcript NM_001387430.1 (MANE Select); coding-DNA position 1424, G replaced by A.
Protein change: p.Arg475His; replaces arginine 475 with histidine.
Molecular consequence: missense variant.
Genome position (GRCh38, 1-based): chr16:28,871,894, G>A. VCF-style: chr16-28871894-G-A. GRCh37 (hg19) VCF-style: chr16-28883215-G-A.
Other names: c.1424G>A, p.Arg475His (NM_001145795.2, NM_001145796.2, NM_001145797.2 and 4 more transcripts); c.416G>A, p.Arg139His (NM_001308294.2); short protein forms R139H, R475H.
Identifiers: ClinVar variation 3348330 (VCV003348330.1).